The following is an entry in ClinVar:

ClinVar aggregate classification (germline): Uncertain significance (1 of 4 stars; one submission).

Conditions:
Retinoblastoma (RB1). Also called: RETINOBLASTOMA, SOMATIC. Identifiers: Orphanet 790, MedGen C0035335, MeSH D012175, MONDO:0008380, OMIM 180200, HP:0009919. Disease mechanism: loss of function. Inheritance: Both sporadic and heritable forms are tested..

Submission:

Labcorp Genetics (formerly Invitae), Labcorp
Classification: Uncertain significance for Retinoblastoma. Last evaluated: 2025-02-22. Review status: criteria provided, single submitter. Criteria: Invitae Variant Classification Sherloc (09022015). Collection method: clinical testing. Allele origin: germline.
Comment: This sequence change replaces leucine, which is neutral and non-polar, with valine, which is neutral and non-polar, at codon 452 of the RB1 protein (p.Leu452Val). This variant is not present in population databases (gnomAD no frequency). This variant has not been reported in the literature in individuals affected with RB1-related conditions. Invitae Evidence Modeling of protein sequence and biophysical properties (such as structural, functional, and spatial information, amino acid conservation, physicochemical variation, residue mobility, and thermodynamic stability) indicates that this missense variant is not expected to disrupt RB1 protein function with a negative predictive value of 80%. In summary, the available evidence is currently insufficient to determine the role of this variant in disease. Therefore, it has been classified as a Variant of Uncertain Significance.

NM_000321.3(RB1):c.1354T>G (p.Leu452Val)

Gene: RB1 (RB transcriptional corepressor 1; plus strand). Cytogenetic location: 13q14.2.
Variant type: single nucleotide variant.
Coding change: c.1354T>G on transcript NM_000321.3 (MANE Select); coding-DNA position 1354, T replaced by G.
Protein change: p.Leu452Val; replaces leucine 452 with valine.
Molecular consequence: missense variant.
Genome position (GRCh38, 1-based): chr13:48,379,615, T>G. VCF-style: chr13-48379615-T-G. GRCh37 (hg19) VCF-style: chr13-48953751-T-G.
Other names: c.1354T>G, p.Leu452Val (NM_001407165.1, NM_001407166.1); short protein forms L452V.
Identifiers: ClinVar variation 4744046 (VCV004744046.1).